The following is an entry in ClinVar:

ClinVar aggregate classification (germline): Uncertain significance. Review status: criteria provided, multiple submitters, no conflicts (2 of 4 stars). 3 submissions from 3 submitters: Uncertain significance (3). Last evaluated 2026-07-09.

Conditions:
Ethylmalonic encephalopathy (EE). Also called: Syndrome of encephalopathy, petechiae, and ethylmalonic aciduria; EPEMA syndrome; Encephalopathy, petechiae, and ethylmalonic aciduria. Identifiers: Orphanet 51188, MedGen C1865349, MONDO:0011229, OMIM 602473. Disease mechanism: loss of function.
Inborn genetic diseases. Identifiers: MedGen C0950123, MeSH D030342.

gnomAD v4.1: 3 of 1,614,170 alleles (0.00019%); highest among the groups gnomAD compares: African/African-American, 0.0027%; no homozygotes.

Submissions (3):

Ambry Genetics
Classification: Uncertain significance for Inborn genetic diseases. Last evaluated: 2026-07-09. Review status: criteria provided, single submitter. Criteria: Ambry Variant Classification Scheme 2023. Collection method: clinical testing. Allele origin: germline.
Comment: The c.245C>A (p.A82E) alteration is located in coding exon 3 of the ETHE1 gene. This alteration results from a C to A substitution at nucleotide position 245, causing the alanine (A) at amino acid position 82 to be replaced by a glutamic acid (E). This variant was not reported in population-based cohorts in the Genome Aggregation Database (gnomAD). This amino acid position is highly conserved in available vertebrate species. This alteration is predicted to be deleterious by in silico analysis. Based on insufficient or conflicting evidence, the clinical significance of this alteration remains unclear.

Labcorp Genetics (formerly Invitae), Labcorp
Classification: Uncertain significance for Ethylmalonic encephalopathy. Last evaluated: 2023-02-13. Review status: criteria provided, single submitter. Criteria: Invitae Variant Classification Sherloc (09022015). Collection method: clinical testing. Allele origin: germline.
Comment: This sequence change replaces alanine, which is neutral and non-polar, with glutamic acid, which is acidic and polar, at codon 82 of the ETHE1 protein (p.Ala82Glu). This variant is not present in population databases (gnomAD no frequency). This variant has not been reported in the literature in individuals affected with ETHE1-related conditions. ClinVar contains an entry for this variant (Variation ID: 1683659). Advanced modeling of protein sequence and biophysical properties (such as structural, functional, and spatial information, amino acid conservation, physicochemical variation, residue mobility, and thermodynamic stability) performed at Invitae indicates that this missense variant is expected to disrupt ETHE1 protein function. In summary, the available evidence is currently insufficient to determine the role of this variant in disease. Therefore, it has been classified as a Variant of Uncertain Significance.

Laboratorio de Genetica e Diagnostico Molecular, Hospital Israelita Albert Einstein
Classification: Uncertain significance for Ethylmalonic encephalopathy. Last evaluated: 2021-06-15. Review status: criteria provided, single submitter. Criteria: ACMG Guidelines, 2015. Collection method: clinical testing. Allele origin: germline. Affected: yes.
Comment: ACMG classification criteria: PM2 moderate, PP3 supporting

NM_014297.5(ETHE1):c.245C>A (p.Ala82Glu)

Gene: ETHE1 (ETHE1 persulfide dioxygenase; minus strand). Cytogenetic location: 19q13.31.
Variant type: single nucleotide variant.
Coding change: c.245C>A on transcript NM_014297.5 (MANE Select); coding-DNA position 245, C replaced by A.
Protein change: p.Ala82Glu; replaces alanine 82 with glutamic acid.
Molecular consequence: missense variant. On other transcripts: intron variant (3).
Genome position (GRCh38, 1-based): chr19:43,526,331, G>T on the plus strand (C>A on the coding strand, the complement: ETHE1 is on the minus strand). VCF-style: chr19-43526331-G-T. GRCh37 (hg19) VCF-style: chr19-44030483-G-T.
Other names: c.81+766C>A (NM_001320869.2); c.6+184C>A (NM_001320868.2); c.227-15C>A (NM_001320867.2); c.245C>A (NM_014297.3); short protein forms A82E.
Identifiers: ClinVar variation 1683659 (VCV001683659.8), dbSNP rs748794074, ClinGen allele CA406179992.
Genomic context (GRCh38, chr19:43,526,331, plus strand): 5'-ATGACAGACTGGCAGCCAGGGAGGAGGGAACGGAGCAGCCCCGAGCCTGTAATGTGGTCC[G>T]CGTGGCAGTGGGTATTCACTGGGAGAGAGAGGAGGGACAGGTCCGGAGGGTACAGAAAGG-3'
Protein context (NP_055112.2, residues 72-92): LLYAVNTHCH[Ala82Glu]DHITGSGLLR